The following is an entry in ClinVar:

NC_000005.10:g.112707417G>C

Gene: APC (APC regulator of Wnt signaling pathway; plus strand). Cytogenetic location: 5q22.2.
Variant type: single nucleotide variant.
Genome position: GRCh38 VCF-style: chr5-112707417-G-C. GRCh37 (hg19) VCF-style: chr5-112043114-G-C.
Identifiers: ClinVar variation 644434 (VCV000644434.6), dbSNP rs1173265814, ClinGen allele CA915943572.

ClinVar aggregate classification (germline): Uncertain significance (1 of 4 stars; one submission).

Conditions:
Familial adenomatous polyposis 1 (FAP1). Also called: FAMILIAL ADENOMATOUS POLYPOSIS 1, ATTENUATED; POLYPOSIS, ADENOMATOUS INTESTINAL. Identifiers: MedGen C2713442, MONDO:0021056, OMIM 175100. Disease mechanism: loss of function.

Allele frequency attached by ClinVar (database versions not stated): gnomAD exomes 0.00001; gnomAD 0.00001.

Submission:

Labcorp Genetics (formerly Invitae), Labcorp
Classification: Uncertain significance for Familial adenomatous polyposis 1. Last evaluated: 2023-08-11. Review status: criteria provided, single submitter. Criteria: Invitae Variant Classification Sherloc (09022015). Collection method: clinical testing. Allele origin: germline.
Comment: This variant occurs in a non-coding region of the APC gene. It does not change the encoded amino acid sequence of the APC protein. This variant is not present in population databases (gnomAD no frequency). This variant has not been reported in the literature in individuals affected with APC-related conditions. ClinVar contains an entry for this variant (Variation ID: 644434). Experimental studies and prediction algorithms are not available or were not evaluated, and the functional significance of this variant is currently unknown. In summary, the available evidence is currently insufficient to determine the role of this variant in disease. Therefore, it has been classified as a Variant of Uncertain Significance.